The following is an entry in ClinVar:

ClinVar aggregate classification (germline): Likely benign. Review status: criteria provided, single submitter (1 of 4 stars). 2 submissions from 2 submitters: Likely benign (1). 1 of the submissions does not count toward it. Last evaluated 2025-12-26.

Conditions:
PCLO-related disorder. Also called: PCLO-related condition.

Allele frequency attached by ClinVar (database versions not stated): gnomAD 0.00015 and 0.00017; gnomAD exomes 0.00015 and 0.00026; TOPMed 0.00015; 1000 Genomes Project 30x 0.00016; 1000 Genomes Project 0.00020; ESP Exome Variant Server 0.00025; ExAC 0.00037.
gnomAD v4.1: 250 of 1,613,762 alleles (0.015%); highest among the groups gnomAD compares: Non-Finnish European, 0.02%; no homozygotes.

Submissions (2):

Labcorp Genetics (formerly Invitae), Labcorp
Classification: Likely benign. Last evaluated: 2025-12-26. Review status: criteria provided, single submitter. Criteria: Invitae Variant Classification Sherloc (09022015). Collection method: clinical testing. Allele origin: germline.

PreventionGenetics, part of Exact Sciences
Classification: Likely benign for PCLO-related condition. Last evaluated: 2019-02-21. Review status: no assertion criteria provided. Collection method: clinical testing. Allele origin: germline. Not counted in ClinVar's aggregate classification.
Comment: This variant is classified as likely benign based on ACMG/AMP sequence variant interpretation guidelines (Richards et al. 2015 PMID: 25741868, with internal and published modifications).

NM_033026.6(PCLO):c.9468A>G (p.Val3156=)

Gene: PCLO (piccolo presynaptic cytomatrix protein; minus strand). Cytogenetic location: 7q21.11.
Variant type: single nucleotide variant.
Coding change: c.9468A>G on transcript NM_033026.6 (MANE Select); coding-DNA position 9468, A replaced by G.
Protein change: p.Val3156=; no amino-acid change (valine 3156 retained).
Molecular consequence: synonymous variant.
Genome position (GRCh38, 1-based): chr7:82,951,120, T>C on the plus strand (A>G on the coding strand, the complement: PCLO is on the minus strand). VCF-style: chr7-82951120-T-C. GRCh37 (hg19) VCF-style: chr7-82580436-T-C.
Other names: c.9468A>G, p.Val3156= (NM_014510.3); c.9468A>G (NM_033026.5).
Identifiers: ClinVar variation 1591084 (VCV001591084.11), dbSNP rs182878395, ClinGen allele CA4319919.
Genomic context (GRCh38, chr7:82,951,120, plus strand): 5'-CTCAGCAGTAAGAGACTCCATAGTAATAGTTTGCAAACTGGCACTGATATCAATACCAGT[T>C]ACTGCAATGTCCGTTTCAGATGCACCTGTTGTTATAAAATATGATCTAGGCATTGGCTGG-3'
Protein context (NP_149015.2, residues 3146-3166): TTGASETDIA[Val3156=]TGIDISASLQ